The following is an entry in ClinVar:

ClinVar aggregate classification (germline): Uncertain significance (1 of 4 stars; one submission).

Allele frequency attached by ClinVar (database versions not stated): gnomAD exomes below 0.00001; ExAC 0.00001.
gnomAD v4.1: 1 of 1,614,192 alleles (0.000062%); no homozygotes.

Submission:

Labcorp Genetics (formerly Invitae), Labcorp
Classification: Uncertain significance. Last evaluated: 2021-12-28. Review status: criteria provided, single submitter. Criteria: Invitae Variant Classification Sherloc (09022015). Collection method: clinical testing. Allele origin: germline.
Comment: In summary, the available evidence is currently insufficient to determine the role of this variant in disease. Therefore, it has been classified as a Variant of Uncertain Significance. Algorithms developed to predict the effect of missense changes on protein structure and function are either unavailable or do not agree on the potential impact of this missense change (SIFT: "Not Available"; PolyPhen-2: "Benign"; Align-GVGD: "Not Available"). This variant has not been reported in the literature in individuals affected with CDH3-related conditions. This variant is present in population databases (rs745683555, gnomAD 0.0009%). This sequence change replaces glutamine, which is neutral and polar, with arginine, which is basic and polar, at codon 802 of the CDH3 protein (p.Gln802Arg).

NM_001793.6(CDH3):c.2405A>G (p.Gln802Arg)

Gene: CDH3 (cadherin 3; plus strand). Cytogenetic location: 16q22.1.
Variant type: single nucleotide variant.
Coding change: c.2405A>G on transcript NM_001793.6 (MANE Select); coding-DNA position 2405, A replaced by G.
Protein change: p.Gln802Arg; replaces glutamine 802 with arginine.
Molecular consequence: missense variant. On other transcripts: 3 prime UTR variant (1).
Genome position (GRCh38, 1-based): chr16:68,698,315, A>G. VCF-style: chr16-68698315-A-G. GRCh37 (hg19) VCF-style: chr16-68732218-A-G.
Other names: c.*148A>G (NM_001317195.3); c.2240A>G, p.Gln747Arg (NM_001317196.2); short protein forms Q747R, Q802R.
Identifiers: ClinVar variation 1499455 (VCV001499455.6), dbSNP rs745683555, ClinGen allele CA8129730.